The following is an entry in ClinVar:

NM_002772.3(TMPRSS15):c.1437dup (p.Asn480Ter)

Gene: TMPRSS15 (transmembrane serine protease 15; minus strand). Cytogenetic location: 21q21.1.
Variant type: Duplication.
Coding change: c.1437dup on transcript NM_002772.3 (MANE Select); coding-DNA position 1437, one base duplicated (T; older notation c.1437dupT).
Protein change: p.Asn480Ter; replaces asparagine 480 with a stop codon.
Molecular consequence: nonsense.
Genome position (GRCh38, 1-based): chr21:18,341,540, A duplicated on the plus strand (T on the coding strand, the reverse complement: TMPRSS15 is on the minus strand); the first of 4 consecutive A bases (chr21:18,341,540-18,341,543); duplicating any one gives the same sequence. VCF-style (leftmost placement, unchanged base first): chr21-18341539-T-TA. GRCh37 (hg19) VCF-style: chr21-19713856-T-TA.
Other names: p.Asn480Ter; short protein forms N480*.
Identifiers: ClinVar variation 3255610 (VCV003255610.5).

ClinVar aggregate classification (germline): Pathogenic/Likely pathogenic. Review status: criteria provided, multiple submitters, no conflicts (2 of 4 stars). 3 submissions from 3 submitters: Pathogenic (2); Likely pathogenic (1). Last evaluated 2025-06-28.

Conditions:
Enterokinase deficiency. Also called: ENTEROPEPTIDASE DEFICIENCY; Congenital enteropathy due to enteropeptidase deficiency; Deficiency of enteropeptidase. Identifiers: Orphanet 168601, MedGen C0268416, MONDO:0009173, OMIM 226200.

Submissions (3):

Immunogenetics and Transplant Biology Service, University Hospital "Città della Salute e della Scienza di Torino"
Classification: Likely pathogenic for Enterokinase deficiency. Last evaluated: 2025-06-28. Review status: criteria provided, single submitter. Criteria: ACMG Guidelines, 2015. Collection method: clinical testing. Allele origin: germline. Affected: yes.

Labcorp Genetics (formerly Invitae), Labcorp
Classification: Pathogenic. Last evaluated: 2024-11-21. Review status: criteria provided, single submitter. Criteria: Invitae Variant Classification Sherloc (09022015). Collection method: clinical testing. Allele origin: germline.
Comment: This sequence change creates a premature translational stop signal (p.Asn480*) in the TMPRSS15 gene. It is expected to result in an absent or disrupted protein product. Loss-of-function variants in TMPRSS15 are known to be pathogenic (PMID: 11719902). This variant is present in population databases (rs755690856, gnomAD 0.003%). This variant has not been reported in the literature in individuals affected with TMPRSS15-related conditions. For these reasons, this variant has been classified as Pathogenic.

Breakthrough Genomics
Classification: Pathogenic for Enterokinase deficiency. Last evaluated: 2021-04-16. Review status: criteria provided, single submitter. Criteria: ACMG Guidelines, 2015. Collection method: clinical testing. Allele origin: germline. Affected: yes.
Comment: This variant is predicted to cause premature termination of the protein and the resultant protein will likely to lack complement component C1r-like domain (C1r/s), meprin-like domain (MAM), macrophage scavenger receptor-like domain (MSCR) and serine protease domain of the protein [PMID: 33061943]; this will likely result in loss-of-function. Due to the introduction of a premature stop codon, this aberrant transcript will likely be targeted by the nonsense-mediated mRNA decay (NMD) mechanism [PMID: 15040442]. The identified variant has not been previously reported in the literature.

Literature cited by the submitters: PubMed 11719902 (cited by Labcorp Genetics (formerly Invitae), Labcorp).